The following is an entry in ClinVar:

ClinVar aggregate classification (germline): Conflicting classifications of pathogenicity. Review status: criteria provided, conflicting classifications (1 of 4 stars). 4 submissions from 4 submitters: Likely pathogenic (1); Uncertain significance (3). Last evaluated 2025-05-01.

Conditions:
Hereditary cancer-predisposing syndrome. Also called: Neoplastic Syndromes, Hereditary; Hereditary neoplastic syndrome; Tumor predisposition; Hereditary Cancer Syndrome. Identifiers: Orphanet 140162, MedGen C0027672, MeSH D009386, MONDO:0015356.

gnomAD v4.1: 2 of 1,613,250 alleles (0.00012%); highest among the groups gnomAD compares: South Asian, 0.0011%; no homozygotes.

Submissions (4):

Ambry Genetics
Classification: Uncertain significance for Hereditary cancer-predisposing syndrome. Last evaluated: 2025-05-01. Review status: criteria provided, single submitter. Criteria: Ambry Variant Classification Scheme 2023. Collection method: clinical testing. Allele origin: germline.
Comment: The c.4290+1G>A intronic variant results from a G to A substitution one nucleotide after coding exon 33 of the POLE gene. Alterations that disrupt the canonical splice site are expected to result in aberrant splicing. In silico splice site analysis predicts that this alteration will weaken the native splice donor site. A resulting transcript is predicted to be in-frame and is not expected to trigger nonsense-mediated mRNAdecay; although, direct evidence is unavailable. This nucleotide position is highly conserved in available vertebrate species. Based on the available evidence, the clinical significance of this variant remains unclear.

Labcorp Genetics (formerly Invitae), Labcorp
Classification: Likely pathogenic. Last evaluated: 2024-04-16. Review status: criteria provided, single submitter. Criteria: Invitae Variant Classification Sherloc (09022015). Collection method: clinical testing. Allele origin: germline.
Comment: This sequence change affects a donor splice site in intron 33 of the POLE gene. It is expected to disrupt RNA splicing. Variants that disrupt the donor or acceptor splice site typically lead to a loss of protein function (PMID: 16199547), and loss-of-function variants in POLE are known to be pathogenic (PMID: 23230001, 25948378, 30503519). This variant is not present in population databases (gnomAD no frequency). This variant has not been reported in the literature in individuals affected with POLE-related conditions. ClinVar contains an entry for this variant (Variation ID: 619722). Algorithms developed to predict the effect of sequence changes on RNA splicing suggest that this variant may disrupt the consensus splice site. In summary, the currently available evidence indicates that the variant is pathogenic, but additional data are needed to prove that conclusively. Therefore, this variant has been classified as Likely Pathogenic.

GeneDx
Classification: Uncertain significance. Last evaluated: 2023-02-17. Review status: criteria provided, single submitter. Criteria: GeneDx Variant Classification Process June 2021. Collection method: clinical testing. Allele origin: germline. Affected: yes.
Comment: Not observed at significant frequency in large population cohorts (gnomAD); Canonical splice site variant with an unclear effect on protein function; Has not been previously published as pathogenic or benign to our knowledge

Quest Diagnostics Nichols Institute San Juan Capistrano
Classification: Uncertain significance. Last evaluated: 2017-09-29. Review status: criteria provided, single submitter. Criteria: Quest Diagnostics criteria. Collection method: clinical testing. Allele origin: germline.

Literature cited by the submitters: PubMed 16199547 (cited by Labcorp Genetics (formerly Invitae), Labcorp); PubMed 23230001 (cited by Labcorp Genetics (formerly Invitae), Labcorp); PubMed 25948378 (cited by Labcorp Genetics (formerly Invitae), Labcorp); PubMed 30503519 (cited by Labcorp Genetics (formerly Invitae), Labcorp).

NM_006231.4(POLE):c.4290+1G>A

Gene: POLE (DNA polymerase epsilon, catalytic subunit; minus strand). Cytogenetic location: 12q24.33.
Variant type: single nucleotide variant.
Coding change: c.4290+1G>A on transcript NM_006231.4 (MANE Select); the canonical splice donor site of the intron after coding-DNA position 4290, G replaced by A.
Molecular consequence: splice donor variant.
Genome position (GRCh38, 1-based): chr12:132,643,836, C>T on the plus strand (G>A on the coding strand, the complement: POLE is on the minus strand). VCF-style: chr12-132643836-C-T. GRCh37 (hg19) VCF-style: chr12-133220422-C-T.
Identifiers: ClinVar variation 619722 (VCV000619722.19), dbSNP rs1565940214, ClinGen allele CA387381732.
Genomic context (GRCh38, chr12:132,643,836, plus strand): 5'-TTCCTCCATACCACCCTGCTGGAGCCTCCCCCAGTTCAGTCGAGGGTGGCTGGGGAGTCA[C>T]CTGAGTCTCATATACGCCCTCGATGTCTGGCGCTGACAGCTCAGCGTTGATCTCGTTGAT-3'